The following is an entry in ClinVar:

NM_001350451.2(RBFOX3):c.164C>T (p.Pro55Leu)

Gene: RBFOX3 (RNA binding fox-1 homolog 3; minus strand). Cytogenetic location: 17q25.3.
Variant type: single nucleotide variant.
Coding change: c.164C>T on transcript NM_001350451.2 (MANE Select); coding-DNA position 164, C replaced by T.
Protein change: p.Pro55Leu; replaces proline 55 with leucine.
Molecular consequence: missense variant.
Genome position (GRCh38, 1-based): chr17:79,115,552, G>A on the plus strand (C>T on the coding strand, the complement: RBFOX3 is on the minus strand). VCF-style: chr17-79115552-G-A. GRCh37 (hg19) VCF-style: chr17-77111634-G-A.
Other names: c.164C>T, p.Pro55Leu (NM_001385830.1, NM_001385831.1, NM_001385832.1 and 43 more transcripts); short protein forms P55L.
Identifiers: ClinVar variation 2071517 (VCV002071517.4), dbSNP rs2146997386, ClinGen allele CA401317954.

ClinVar aggregate classification (germline): Uncertain significance (1 of 4 stars; one submission).

Conditions:
Idiopathic generalized epilepsy. Also called: Generalised epilepsy; EIG. Identifiers: MedGen C0270850, MONDO:0005579, OMIM 600669.

Submission:

Labcorp Genetics (formerly Invitae), Labcorp
Classification: Uncertain significance for Idiopathic generalized epilepsy. Last evaluated: 2022-07-19. Review status: criteria provided, single submitter. Criteria: Invitae Variant Classification Sherloc (09022015). Collection method: clinical testing. Allele origin: germline.
Comment: In summary, the available evidence is currently insufficient to determine the role of this variant in disease. Therefore, it has been classified as a Variant of Uncertain Significance. Algorithms developed to predict the effect of missense changes on protein structure and function (SIFT, PolyPhen-2, Align-GVGD) all suggest that this variant is likely to be tolerated. This variant has not been reported in the literature in individuals affected with RBFOX3-related conditions. This variant is not present in population databases (gnomAD no frequency). This sequence change replaces proline, which is neutral and non-polar, with leucine, which is neutral and non-polar, at codon 55 of the RBFOX3 protein (p.Pro55Leu).